The following is an entry in ClinVar:

NM_000287.4(PEX6):c.896G>C (p.Gly299Ala)

Gene: PEX6 (peroxisomal biogenesis factor 6; minus strand). Cytogenetic location: 6p21.1.
Variant type: single nucleotide variant.
Coding change: c.896G>C on transcript NM_000287.4 (MANE Select); coding-DNA position 896, G replaced by C.
Protein change: p.Gly299Ala; replaces glycine 299 with alanine.
Molecular consequence: missense variant. On other transcripts: non-coding transcript variant (1).
Genome position (GRCh38, 1-based): chr6:42,975,025, C>G on the plus strand (G>C on the coding strand, the complement: PEX6 is on the minus strand). VCF-style: chr6-42975025-C-G. GRCh37 (hg19) VCF-style: chr6-42942763-C-G.
Other names: c.632G>C, p.Gly211Ala (NM_001316313.2); c.896G>C (NM_000287.3); short protein forms G299A, G211A.
Identifiers: ClinVar variation 195057 (VCV000195057.6), dbSNP rs548459114, ClinGen allele CA241324.
Genomic context (GRCh38, chr6:42,975,025, plus strand): 5'-CTGGCAAATGGAGGCCCAGGCAGCAATGAGCAGCTTCCTTTGTCTTCAGGGGCGATGGAG[C>G]CTTCCAAGTACCTCTATTAGAGAAATAACCACCACGTTATAACCTTCTCCTAAGGGGGCA-3'
Protein context (NP_000278.3, residues 289-309): GELRIQRYLE[Gly299Ala]SIAPEDKGSC

ClinVar aggregate classification (germline): Uncertain significance. Review status: criteria provided, multiple submitters, no conflicts (2 of 4 stars). 2 submissions from 2 submitters: Uncertain significance (2). Last evaluated 2026-09-10.

Conditions:
PEX6-related disorder. Also called: PEX6-related disorders; PEX6-related condition.

gnomAD v4.1: 2 of 1,612,902 alleles (0.00012%); highest among the groups gnomAD compares: African/African-American, 0.0013%; no homozygotes.

Submissions (2):

PreventionGenetics, part of Exact Sciences
Classification: Uncertain significance for PEX6-related condition. Last evaluated: 2026-09-10. Review status: criteria provided, single submitter. Criteria: ACMG Guidelines, 2015. Collection method: clinical testing. Allele origin: germline.
Comment: The PEX6 c.896G>C variant is predicted to result in the amino acid substitution p.Gly299Ala. To our knowledge, this variant has not been reported in the literature. This variant is reported in 0.00088% of alleles in individuals of European (Non-Finnish) descent in gnomAD. At this time, the clinical significance of this variant is uncertain due to the absence of conclusive functional and genetic evidence.

Eurofins Ntd Llc (ga)
Classification: Uncertain significance. Last evaluated: 2015-02-04. Review status: criteria provided, single submitter. Criteria: EGL Classification Definitions 2015. Collection method: clinical testing. Allele origin: germline. Observed: 1 variant allele, 1 heterozygote.